The following is an entry in ClinVar:

ClinVar aggregate classification (germline): Uncertain significance. Review status: criteria provided, multiple submitters, no conflicts (2 of 4 stars). 2 submissions from 2 submitters: Uncertain significance (2). Last evaluated 2024-01-03.

Conditions:
Brugada syndrome 7 (BRGDA7). Identifiers: Orphanet 130, MedGen C2751088, MONDO:0013146, OMIM 613120.
Cardiovascular phenotype. Identifiers: MedGen CN230736.

Allele frequency attached by ClinVar (database versions not stated): ExAC 0.00001; gnomAD 0.00001; gnomAD exomes 0.00001; TOPMed 0.00001.
gnomAD v4.1: 5 of 1,614,104 alleles (0.00031%); highest among the groups gnomAD compares: Non-Finnish European, 0.00042%; no homozygotes.

Submissions (2):

Ambry Genetics
Classification: Uncertain significance for Cardiovascular phenotype. Last evaluated: 2024-01-03. Review status: criteria provided, single submitter. Criteria: Ambry Variant Classification Scheme 2023. Collection method: clinical testing. Allele origin: germline.

Labcorp Genetics (formerly Invitae), Labcorp
Classification: Uncertain significance for Brugada syndrome 7. Last evaluated: 2023-01-09. Review status: criteria provided, single submitter. Criteria: Invitae Variant Classification Sherloc (09022015). Collection method: clinical testing. Allele origin: germline.
Comment: This sequence change replaces asparagine, which is neutral and polar, with aspartic acid, which is acidic and polar, at codon 5 of the SCN3B protein (p.Asn5Asp). In summary, the available evidence is currently insufficient to determine the role of this variant in disease. Therefore, it has been classified as a Variant of Uncertain Significance. Algorithms developed to predict the effect of missense changes on protein structure and function (SIFT, PolyPhen-2, Align-GVGD) all suggest that this variant is likely to be tolerated. This variant has not been reported in the literature in individuals affected with SCN3B-related conditions. This variant is present in population databases (rs758655363, gnomAD 0.0009%).

NM_001040151.2(SCN3B):c.13A>G (p.Asn5Asp)

Gene: SCN3B (sodium voltage-gated channel beta subunit 3; minus strand). Cytogenetic location: 11q24.1.
Variant type: single nucleotide variant.
Coding change: c.13A>G on transcript NM_001040151.2 (MANE Select); coding-DNA position 13, A replaced by G.
Protein change: p.Asn5Asp; replaces asparagine 5 with aspartic acid.
Molecular consequence: missense variant.
Genome position (GRCh38, 1-based): chr11:123,653,789, T>C on the plus strand (A>G on the coding strand, the complement: SCN3B is on the minus strand). VCF-style: chr11-123653789-T-C. GRCh37 (hg19) VCF-style: chr11-123524497-T-C.
Other names: c.13A>G, p.Asn5Asp (NM_018400.4); short protein forms N5D.
Identifiers: ClinVar variation 2903804 (VCV002903804.4), dbSNP rs758655363, ClinGen allele CA6334107.